The following is an entry in ClinVar:

ClinVar aggregate classification (germline): Conflicting classifications of pathogenicity. Review status: criteria provided, conflicting classifications (1 of 4 stars). 3 submissions from 3 submitters: Uncertain significance (2); Likely benign (1). Last evaluated 2026-07-06.

Conditions:
Rhabdoid tumor predisposition syndrome 2 (RTPS2). Identifiers: Orphanet 231108, Orphanet 69077, MedGen C2750074, MONDO:0013224, OMIM 613325.
Hereditary cancer-predisposing syndrome. Also called: Tumor predisposition; Hereditary Cancer Syndrome; Hereditary neoplastic syndrome; Neoplastic Syndromes, Hereditary. Identifiers: Orphanet 140162, MedGen C0027672, MeSH D009386, MONDO:0015356.

Allele frequency attached by ClinVar (database versions not stated): ExAC 0.00002; gnomAD exomes 0.00001 and below 0.00001.
gnomAD v4.1: 2 of 1,613,870 alleles (0.00012%); highest among the groups gnomAD compares: Non-Finnish European, 0.00017%; no homozygotes.

Submissions (3):

Myriad Genetics, Inc.
Classification: Likely benign for Rhabdoid tumor predisposition syndrome 2. Last evaluated: 2026-07-06. Review status: criteria provided, single submitter. Criteria: Myriad Autosomal Dominant, Autosomal Recessive and X-Linked Classification Criteria (2023). Collection method: clinical testing. Allele origin: unknown.
Comment: This variant is considered likely benign. This variant has been observed at a population frequency that is significantly greater than expected given the associated disease prevalence and penetrance.

Labcorp Genetics (formerly Invitae), Labcorp
Classification: Uncertain significance for Rhabdoid tumor predisposition syndrome 2. Last evaluated: 2026-01-17. Review status: criteria provided, single submitter. Criteria: Invitae Variant Classification Sherloc (09022015). Collection method: clinical testing. Allele origin: germline.
Comment: This sequence change replaces leucine, which is neutral and non-polar, with glutamine, which is neutral and polar, at codon 124 of the SMARCA4 protein (p.Leu124Gln). This variant is present in population databases (rs754451765, gnomAD 0.002%). This variant has not been reported in the literature in individuals affected with SMARCA4-related conditions. ClinVar contains an entry for this variant (Variation ID: 1510716). Invitae Evidence Modeling of protein sequence and biophysical properties (such as structural, functional, and spatial information, amino acid conservation, physicochemical variation, residue mobility, and thermodynamic stability) indicates that this missense variant is not expected to disrupt SMARCA4 protein function with a negative predictive value of 95%. In summary, the available evidence is currently insufficient to determine the role of this variant in disease. Therefore, it has been classified as a Variant of Uncertain Significance.

Ambry Genetics
Classification: Uncertain significance for Hereditary cancer-predisposing syndrome. Last evaluated: 2015-11-05. Review status: criteria provided, single submitter. Criteria: Ambry Variant Classification Scheme 2023. Collection method: clinical testing. Allele origin: germline.
Comment: The p.L124Q variant (also known as c.371T>A), located in coding exon 3 of the SMARCA4 gene, results from a T to A substitution at nucleotide position 371. The leucine at codon 124 is replaced by glutamine, an amino acid with dissimilar properties. This variant was not reported in population based cohorts in the following databases: Database of Single Nucleotide Polymorphisms (dbSNP), NHLBI Exome Sequencing Project (ESP), and 1000 Genomes Project. In the ESP, this variant was not observed in 6503 samples (13006 alleles) with coverage at this position. To date, this alteration has been detected with an allele frequency of approximately 0.003% (greater than 30000 alleles tested) in our clinical cohort. This amino acid position is highly conserved in available vertebrate species. In addition, this alteration is predicted to be possibly damaging and tolerated by PolyPhen and SIFT in silico analyses, respectively. Since supporting evidence is limited at this time, the clinical significance of p.L124Q remains unclear.

NM_003072.5(SMARCA4):c.371T>A (p.Leu124Gln)

Gene: SMARCA4 (SWI/SNF related BAF chromatin remodeling complex subunit ATPase 4; plus strand). Cytogenetic location: 19p13.2.
Variant type: single nucleotide variant.
Coding change: c.371T>A on transcript NM_003072.5 (MANE Select); coding-DNA position 371, T replaced by A.
Protein change: p.Leu124Gln; replaces leucine 124 with glutamine.
Molecular consequence: missense variant. On other transcripts: non-coding transcript variant (1).
Genome position (GRCh38, 1-based): chr19:10,986,204, T>A. VCF-style: chr19-10986204-T-A. GRCh37 (hg19) VCF-style: chr19-11096880-T-A.
Other names: c.371T>A, p.Leu124Gln (NM_001128844.3, NM_001128845.2, NM_001128846.2 and 5 more transcripts); short protein forms L124Q.
Identifiers: ClinVar variation 1510716 (VCV001510716.9), dbSNP rs754451765, ClinGen allele CA9203492.
Genomic context (GRCh38, chr19:10,986,204, plus strand): 5'-AGACATATGCTGCCGAGTGACCAGTGGGCTGACCTTTCTCTGCAGGTTACCCCTCGCCCC[T>A]GGGTGGCTCTGAGCATGCCTCTAGTCCAGTTCCAGCCAGTGGCCCGTCTTCGGGGCCCCA-3'
Protein context (NP_003063.2, residues 114-134): DQHSQGYPSP[Leu124Gln]GGSEHASSPV